The following is an entry in ClinVar:

ClinVar aggregate classification (germline): Pathogenic (1 of 4 stars; one submission).

Submission:

ISCA site 15
Classification: Pathogenic. Last evaluated: 2011-08-12. Review status: criteria provided, single submitter. Criteria: Kaminsky et al. (Genet Med. 2011). Collection method: clinical testing. Allele origin: maternal. Affected: yes. Observed: 1 variant allele.
Comment: Copy number variation identified through the course of routine clinical cytogenomic testing in postnatal populations. Clinical assertions have been curated as described in Kaminsky et al. 2011.

GRCh38/hg38 1p32.3(chr1:54207426-54756958)x1

Genes: ACOT11 (acyl-CoA thioesterase 11; plus strand), FAM151A (family with sequence similarity 151 member A; minus strand), LINC02784 (long intergenic non-protein coding RNA 2784; minus strand), MROH7 (maestro heat like repeat family member 7; plus strand), MROH7-TTC4 (MROH7-TTC4 readthrough (NMD candidate); plus strand) and 22 more. Cytogenetic location: 1p32.3.
Variant type: copy number loss.
Change: copy number 1 (one copy instead of two) of chr1:54,207,426-54,756,958 (549.5 kb, GRCh38 coordinates, 1-based), cytogenetic band 1p32.3.
Identifiers: ClinVar variation 59969 (VCV000059969.1).